The following is an entry in ClinVar:

ClinVar aggregate classification (germline): Uncertain significance (1 of 4 stars; one submission).

Conditions:
Myopathy, proximal, and ophthalmoplegia (CMYO6). Also called: MYOPATHY WITH CONGENITAL JOINT CONTRACTURES, OPHTHALMOPLEGIA, AND RIMMED VACUOLES; INCLUSION BODY MYOPATHY 3, AUTOSOMAL DOMINANT; CONGENITAL MYOPATHY 6 WITH OPHTHALMOPLEGIA. Identifiers: Orphanet 363677, Orphanet 79091, MedGen C1854106, MONDO:0011577, OMIM 605637.

Allele frequency attached by ClinVar (database versions not stated): ExAC 0.00001; gnomAD 0.00001; gnomAD exomes 0.00001; TOPMed 0.00001.
gnomAD v4.1: 12 of 1,613,562 alleles (0.00074%); highest among the groups gnomAD compares: South Asian, 0.0066%; no homozygotes.

Submission:

Labcorp Genetics (formerly Invitae), Labcorp
Classification: Uncertain significance for Myopathy, proximal, and ophthalmoplegia. Last evaluated: 2023-11-14. Review status: criteria provided, single submitter. Criteria: Invitae Variant Classification Sherloc (09022015). Collection method: clinical testing. Allele origin: germline.
Comment: This sequence change replaces valine, which is neutral and non-polar, with alanine, which is neutral and non-polar, at codon 970 of the MYH2 protein (p.Val970Ala). This variant is present in population databases (rs757738360, gnomAD 0.0009%). This variant has not been reported in the literature in individuals affected with MYH2-related conditions. Advanced modeling of protein sequence and biophysical properties (such as structural, functional, and spatial information, amino acid conservation, physicochemical variation, residue mobility, and thermodynamic stability) performed at Invitae indicates that this missense variant is not expected to disrupt MYH2 protein function with a negative predictive value of 80%. In summary, the available evidence is currently insufficient to determine the role of this variant in disease. Therefore, it has been classified as a Variant of Uncertain Significance.

NM_017534.6(MYH2):c.2909T>C (p.Val970Ala)

Genes: MYHAS (myosin heavy chain gene cluster antisense RNA; plus strand), MYH2 (myosin heavy chain 2; minus strand). Cytogenetic location: 17p13.1.
Variant type: single nucleotide variant.
Coding change: c.2909T>C on transcript NM_017534.6 (MANE Select); coding-DNA position 2909, T replaced by C.
Protein change: p.Val970Ala; replaces valine 970 with alanine.
Molecular consequence: missense variant.
Genome position (GRCh38, 1-based): chr17:10,529,863, A>G on the plus strand (T>C on the coding strand, the complement: MYH2 is on the minus strand). VCF-style: chr17-10529863-A-G. GRCh37 (hg19) VCF-style: chr17-10433180-A-G.
Other names: c.2909T>C, p.Val970Ala (NM_001100112.2); short protein forms V970A.
Identifiers: ClinVar variation 2915247 (VCV002915247.3), dbSNP rs757738360, ClinGen allele CA8391048.